The following is an entry in ClinVar:

NM_000488.4(SERPINC1):c.665T>A (p.Val222Glu)

Gene: SERPINC1 (serpin family C member 1; minus strand). Cytogenetic location: 1q25.1.
Variant type: single nucleotide variant.
Coding change: c.665T>A on transcript NM_000488.4 (MANE Select); coding-DNA position 665, T replaced by A.
Protein change: p.Val222Glu; replaces valine 222 with glutamic acid.
Molecular consequence: missense variant.
Genome position (GRCh38, 1-based): chr1:173,910,851, A>T on the plus strand (T>A on the coding strand, the complement: SERPINC1 is on the minus strand). VCF-style: chr1-173910851-A-T. GRCh37 (hg19) VCF-style: chr1-173879989-A-T.
Other names: c.521T>A, p.Val174Glu (NM_001365052.2); c.665T>A, p.Val222Glu (NM_001386302.1, NM_001386304.1, NM_001386305.1); c.746T>A, p.Val249Glu (NM_001386303.1); c.449T>A, p.Val150Glu (NM_001386306.1); short protein forms V222E, V249E, V150E, V174E.
Identifiers: ClinVar variation 1046588 (VCV001046588.5), dbSNP rs1657744293, ClinGen allele CA343775643.

ClinVar aggregate classification (germline): Uncertain significance (1 of 4 stars; one submission).

Conditions:
Hereditary antithrombin deficiency (AT3D). Also called: Reduced antithrombin III activity; Antithrombin III deficiency; Thrombophilia due to antithrombin III deficiency; Antithrombin deficiency. Identifiers: Orphanet 82, MedGen C0272375, MONDO:0013144, OMIM 613118, HP:0001976.

Submission:

Labcorp Genetics (formerly Invitae), Labcorp
Classification: Uncertain significance for Hereditary antithrombin deficiency. Last evaluated: 2020-03-16. Review status: criteria provided, single submitter. Criteria: Invitae Variant Classification Sherloc (09022015). Collection method: clinical testing. Allele origin: germline.
Comment: This variant is not present in population databases (ExAC no frequency). In summary, the available evidence is currently insufficient to determine the role of this variant in disease. Therefore, it has been classified as a Variant of Uncertain Significance. Algorithms developed to predict the effect of missense changes on protein structure and function (SIFT, PolyPhen-2, Align-GVGD) all suggest that this variant is likely to be disruptive, but these predictions have not been confirmed by published functional studies and their clinical significance is uncertain. This variant has not been reported in the literature in individuals with SERPINC1-related conditions. This sequence change replaces valine with glutamic acid at codon 222 of the SERPINC1 protein (p.Val222Glu). The valine residue is highly conserved and there is a moderate physicochemical difference between valine and glutamic acid.